The following is an entry in ClinVar:

NM_001267550.2(TTN):c.88186ATC[1] (p.Ile29397del)

Genes: TTN (titin; minus strand), TTN-AS1 (TTN antisense RNA 1; plus strand). Cytogenetic location: 2q31.2.
Variant type: Microsatellite.
Coding change: c.88186ATC[1] on transcript NM_001267550.2 (MANE Select); one copy of the 3-base unit ATC starting at c.88186; the reference has two copies in a row; one copy, 3 bases deleted.
Protein change: p.Ile29397del; deletes isoleucine 29397.
Molecular consequence: inframe deletion.
Genome position (GRCh38, 1-based): chr2:178,556,963-178,556,965, GAT deleted on the plus strand (ATC on the coding strand, the reverse complement: TTN is on the minus strand); deleting any 3 consecutive bases within chr2:178,556,963-178,556,970 gives the same sequence; the position shown is the placement nearest the transcript's 3' end. VCF-style (leftmost placement, unchanged base first): chr2-178556962-AGAT-A. GRCh37 (hg19) VCF-style: chr2-179421689-AGAT-A.
Other names: c.83263ATC[1], p.Ile27756del (NM_001256850.1); c.60991ATC[1], p.Ile20332del (NM_003319.4); c.80482ATC[1], p.Ile26829del (NM_133378.4); c.61366ATC[1], p.Ile20457del (NM_133432.3); c.61567ATC[1], p.Ile20524del (NM_133437.4); c.88189_88191delATC (NM_001267550.2); c.80485_80487del (NM_133378.4); short protein forms I20332del, I20457del, I20524del, I26829del, I27756del, I29397del.
Identifiers: ClinVar variation 4080946 (VCV004080946.2).

ClinVar aggregate classification (germline): Uncertain significance. Review status: criteria provided, multiple submitters, no conflicts (2 of 4 stars). 2 submissions from 2 submitters: Uncertain significance (2). Last evaluated 2025-04-24.

Conditions:
TTN-related disorder. Also called: TTN-related condition; TTN-related disease; TTN-related disorders.

Submissions (2):

Revvity Omics, Revvity
Classification: Uncertain significance. Last evaluated: 2025-04-24. Review status: criteria provided, single submitter. Criteria: ACMG Guidelines, 2015. Collection method: clinical testing. Allele origin: germline.

PreventionGenetics, part of Exact Sciences
Classification: Uncertain significance for TTN-related condition. Last evaluated: 2025-03-31. Review status: criteria provided, single submitter. Criteria: ACMG Guidelines, 2015. Collection method: clinical testing. Allele origin: germline.
Comment: The TTN c.88189_88191delATC variant is predicted to result in an in-frame deletion (p.Ile29397del). To our knowledge, this variant has not been reported in the literature. This variant is reported in 0.0039% of alleles in individuals of European (Non-Finnish) descent in gnomAD. At this time, the clinical significance of this variant is uncertain due to the absence of conclusive functional and genetic evidence.